The following is an entry in ClinVar:

NM_003301.7(TRHR):c.476T>A (p.Leu159His)

Gene: TRHR (thyrotropin releasing hormone receptor; plus strand). Cytogenetic location: 8q23.1.
Variant type: single nucleotide variant.
Coding change: c.476T>A on transcript NM_003301.7 (MANE Select); coding-DNA position 476, T replaced by A.
Protein change: p.Leu159His; replaces leucine 159 with histidine.
Molecular consequence: missense variant.
Genome position (GRCh38, 1-based): chr8:109,087,988, T>A. VCF-style: chr8-109087988-T-A. GRCh37 (hg19) VCF-style: chr8-110100217-T-A.
Other names: short protein forms L159H.
Identifiers: ClinVar variation 5042643 (VCV005042643.1).

ClinVar aggregate classification (germline): Uncertain significance (1 of 4 stars; one submission).

Conditions:
Congenital hypothyroidism. Identifiers: Orphanet 442, MedGen C0010308, MONDO:0018612, HP:0000851.

Submission:

Cambridge Genomics Laboratory, East Genomic Laboratory Hub, NHS Genomic Medicine Service
Classification: Uncertain significance for Congenital hypothyroidism. Last evaluated: 2026-10-15. Review status: criteria provided, single submitter. Criteria: ACGS Best Practice Guidelines for Variant Classification in Rare Disease 2020. Collection method: clinical testing. Allele origin: germline. Affected: yes.
Comment: PM1_Supporting,PM2,PP2